The following is an entry in ClinVar:

ClinVar aggregate classification (germline): Uncertain significance (1 of 4 stars; one submission).

Conditions:
Mucopolysaccharidosis, MPS-IV-A (MPS4A). Also called: Mucopolysaccharidosis type IV A; Mucopolysaccharidosis Type IVA; Morquio syndrome A, mild; MORQUIO SYNDROME A; MPS IVA; mucopolysaccharidosis type 4A. Identifiers: Orphanet 309297, Orphanet 582, MedGen C0086651, MONDO:0009659, OMIM 253000.

Submission:

Laboratory of Diagnosis and Therapy of Lysosomal Disorders, University of Padova
Classification: Uncertain significance for Mucopolysaccharidosis, MPS-IV-A. Last evaluated: 2021-02-01. Review status: criteria provided, single submitter. Criteria: ACMG Guidelines, 2015. Collection method: curation. Allele origin: germline. Affected: yes.
Comment: In vivo functional studies supportive of a damaging effect on the gene product (low to null enzymatic activity in homozygotes; PS3_supporting); absent from gnomAD v2.1.1 (PM2_moderate); multiple lines of computational evidence support a deleterious effect on the gene (PP3_supporting)

Literature cited by the submitters: PubMed 15309681; PubMed 34387910.

NM_000512.5(GALNS):c.224C>G (p.Ala75Gly)

Gene: GALNS (galactosamine (N-acetyl)-6-sulfatase; minus strand). Cytogenetic location: 16q24.3.
Variant type: single nucleotide variant.
Coding change: c.224C>G on transcript NM_000512.5 (MANE Select); coding-DNA position 224, C replaced by G.
Protein change: p.Ala75Gly; replaces alanine 75 with glycine.
Molecular consequence: missense variant. On other transcripts: intron variant (1).
Genome position (GRCh38, 1-based): chr16:88,842,726, G>C on the plus strand (C>G on the coding strand, the complement: GALNS is on the minus strand). VCF-style: chr16-88842726-G-C. GRCh37 (hg19) VCF-style: chr16-88909134-G-C.
Other names: c.242C>G, p.Ala81Gly (NM_001323544.2); c.-311-755C>G (NM_001323543.2); short protein forms A75G, A81G.
Identifiers: ClinVar variation 1048384 (VCV001048384.3), dbSNP rs2143005473, ClinGen allele CA397091310.